The following is an entry in ClinVar:

ClinVar aggregate classification (germline): Uncertain significance (1 of 4 stars; one submission).

Conditions:
Niemann-Pick disease, type C1. Also called: NEUROVISCERAL STORAGE DISEASE WITH VERTICAL SUPRANUCLEAR OPHTHALMOPLEGIA; NIEMANN-PICK DISEASE WITH CHOLESTEROL ESTERIFICATION BLOCK; NIEMANN-PICK DISEASE WITHOUT SPHINGOMYELINASE DEFICIENCY; NIEMANN-PICK DISEASE, CHRONIC NEURONOPATHIC FORM; NIEMANN-PICK DISEASE, VARIANT TYPE C1. Identifiers: Orphanet 646, MedGen C3179455, MONDO:0009757, OMIM 257220.

Allele frequency attached by ClinVar (database versions not stated): TOPMed below 0.00001; gnomAD 0.00001.
gnomAD v4.1: 1 of 1,614,010 alleles (0.000062%); highest among the groups gnomAD compares: Non-Finnish European, 0.000085%; no homozygotes.

Submission:

Labcorp Genetics (formerly Invitae), Labcorp
Classification: Uncertain significance for Niemann-Pick disease, type C1. Last evaluated: 2023-08-11. Review status: criteria provided, single submitter. Criteria: Invitae Variant Classification Sherloc (09022015). Collection method: clinical testing. Allele origin: germline.
Comment: Advanced modeling of protein sequence and biophysical properties (such as structural, functional, and spatial information, amino acid conservation, physicochemical variation, residue mobility, and thermodynamic stability) performed at Invitae indicates that this missense variant is not expected to disrupt NPC1 protein function. In summary, the available evidence is currently insufficient to determine the role of this variant in disease. Therefore, it has been classified as a Variant of Uncertain Significance. This variant has not been reported in the literature in individuals affected with NPC1-related conditions. This sequence change replaces alanine, which is neutral and non-polar, with glycine, which is neutral and non-polar, at codon 289 of the NPC1 protein (p.Ala289Gly). This variant is not present in population databases (gnomAD no frequency).

NM_000271.5(NPC1):c.866C>G (p.Ala289Gly)

Gene: NPC1 (NPC intracellular cholesterol transporter 1; minus strand). Cytogenetic location: 18q11.2.
Variant type: single nucleotide variant.
Coding change: c.866C>G on transcript NM_000271.5 (MANE Select); coding-DNA position 866, C replaced by G.
Protein change: p.Ala289Gly; replaces alanine 289 with glycine.
Molecular consequence: missense variant.
Genome position (GRCh38, 1-based): chr18:23,560,246, G>C on the plus strand (C>G on the coding strand, the complement: NPC1 is on the minus strand). VCF-style: chr18-23560246-G-C. GRCh37 (hg19) VCF-style: chr18-21140210-G-C.
Other names: short protein forms A289G.
Identifiers: ClinVar variation 2752210 (VCV002752210.3), dbSNP rs1398533579, ClinGen allele CA401780798.